The following is an entry in ClinVar:

NM_000083.3(CLCN1):c.133A>G (p.Arg45Gly)

Gene: CLCN1 (chloride voltage-gated channel 1; plus strand). Cytogenetic location: 7q34.
Variant type: single nucleotide variant.
Coding change: c.133A>G on transcript NM_000083.3 (MANE Select); coding-DNA position 133, A replaced by G.
Protein change: p.Arg45Gly; replaces arginine 45 with glycine.
Molecular consequence: missense variant. On other transcripts: non-coding transcript variant (1).
Genome position (GRCh38, 1-based): chr7:143,316,345, A>G. VCF-style: chr7-143316345-A-G. GRCh37 (hg19) VCF-style: chr7-143013438-A-G.
Other names: short protein forms R45G.
Identifiers: ClinVar variation 462832 (VCV000462832.7), dbSNP rs371715660, ClinGen allele CA4536827.

ClinVar aggregate classification (germline): Uncertain significance (1 of 4 stars; one submission).

Conditions:
Congenital myotonia, autosomal recessive form. Also called: myotonia congenita, autosomal recessive; BECKER DISEASE; Becker Generalized Myotonia. Identifiers: Orphanet 614, MedGen C0751360, MONDO:0009715, OMIM 255700.
Congenital myotonia, autosomal dominant form (THD). Also called: Myotonia congenita autosomal dominant; THOMSEN DISEASE. Identifiers: Orphanet 614, MedGen C2936781, MONDO:0008055, OMIM 160800.

Allele frequency attached by ClinVar (database versions not stated): gnomAD exomes below 0.00001 and 0.00002; ExAC 0.00003; gnomAD 0.00009; TOPMed 0.00014; ESP Exome Variant Server 0.00015; 1000 Genomes Project 30x 0.00016; 1000 Genomes Project 0.00040.
gnomAD v4.1: 23 of 1,611,810 alleles (0.0014%); highest among the groups gnomAD compares: African/African-American, 0.025%; no homozygotes.

Submission:

Labcorp Genetics (formerly Invitae), Labcorp
Classification: Uncertain significance for Congenital myotonia, autosomal recessive form; Congenital myotonia, autosomal dominant form. Last evaluated: 2022-08-16. Review status: criteria provided, single submitter. Criteria: Invitae Variant Classification Sherloc (09022015). Collection method: clinical testing. Allele origin: germline.
Comment: This sequence change replaces arginine, which is basic and polar, with glycine, which is neutral and non-polar, at codon 45 of the CLCN1 protein (p.Arg45Gly). This variant is present in population databases (rs371715660, gnomAD 0.04%). This variant has not been reported in the literature in individuals affected with CLCN1-related conditions. ClinVar contains an entry for this variant (Variation ID: 462832). Advanced modeling of protein sequence and biophysical properties (such as structural, functional, and spatial information, amino acid conservation, physicochemical variation, residue mobility, and thermodynamic stability) performed at Invitae indicates that this missense variant is not expected to disrupt CLCN1 protein function. In summary, the available evidence is currently insufficient to determine the role of this variant in disease. Therefore, it has been classified as a Variant of Uncertain Significance.